The following is an entry in ClinVar:

ClinVar aggregate classification (germline): Uncertain significance (1 of 4 stars; one submission).

Allele frequency attached by ClinVar (database versions not stated): TOPMed below 0.00001; gnomAD 0.00001.
gnomAD v4.1: 1 of 1,609,590 alleles (0.000062%); highest among the groups gnomAD compares: Non-Finnish European, 0.000085%; no homozygotes.

Submission:

Labcorp Genetics (formerly Invitae), Labcorp
Classification: Uncertain significance. Last evaluated: 2022-07-29. Review status: criteria provided, single submitter. Criteria: Invitae Variant Classification Sherloc (09022015). Collection method: clinical testing. Allele origin: germline.
Comment: This sequence change replaces alanine, which is neutral and non-polar, with glycine, which is neutral and non-polar, at codon 6127 of the ADGRV1 protein (p.Ala6127Gly). This variant is present in population databases (no rsID available, gnomAD 0.0009%). This variant has not been reported in the literature in individuals affected with ADGRV1-related conditions. Algorithms developed to predict the effect of missense changes on protein structure and function are either unavailable or do not agree on the potential impact of this missense change (SIFT: "Deleterious"; PolyPhen-2: "Probably Damaging"; Align-GVGD: "Class C0"). In summary, the available evidence is currently insufficient to determine the role of this variant in disease. Therefore, it has been classified as a Variant of Uncertain Significance.

NM_032119.4(ADGRV1):c.18380C>G (p.Ala6127Gly)

Gene: ADGRV1 (adhesion G protein-coupled receptor V1; plus strand). Cytogenetic location: 5q14.3.
Variant type: single nucleotide variant.
Coding change: c.18380C>G on transcript NM_032119.4 (MANE Select); coding-DNA position 18380, C replaced by G.
Protein change: p.Ala6127Gly; replaces alanine 6127 with glycine.
Molecular consequence: missense variant. On other transcripts: non-coding transcript variant (1).
Genome position (GRCh38, 1-based): chr5:91,102,288, C>G. VCF-style: chr5-91102288-C-G. GRCh37 (hg19) VCF-style: chr5-90398105-C-G.
Other names: short protein forms A6127G.
Identifiers: ClinVar variation 1922502 (VCV001922502.2), dbSNP rs1177772881, ClinGen allele CA360431466.